The following is an entry in ClinVar:

ClinVar aggregate classification (germline): Likely benign (1 of 4 stars; one submission).

Conditions:
GNAS-related disorder. Identifiers: MedGen CN380105.

Submission:

PreventionGenetics, part of Exact Sciences
Classification: Likely benign for GNAS-related condition. Last evaluated: 2025-10-09. Review status: criteria provided, single submitter. Criteria: ACMG Guidelines, 2015. Collection method: clinical testing. Allele origin: germline.
Comment: This variant is classified as likely benign based on ACMG/AMP sequence variant interpretation guidelines (Richards et al. 2015 PMID: 25741868, with internal and published modifications).

NM_080425.4(GNAS):c.1307delinsATGCCCCAGCCGATCCCGACTCCGGGGCGGCCCCTGA (p.Ala436delinsAspAlaProAlaAspProAspSerGlyAlaAlaProAsp)

Gene: GNAS (GNAS complex locus; plus strand). Cytogenetic location: 20q13.32.
Variant type: Indel.
Coding change: c.1307delinsATGCCCCAGCCGATCCCGACTCCGGGGCGGCCCCTGA on transcript NM_080425.4 (MANE Plus Clinical); coding-DNA position 1307, the reference bases replaced by an inserted sequence.
Protein change: p.Ala436delinsAspAlaProAlaAspProAspSerGlyAlaAlaProAsp.
Molecular consequence: inframe indel. On other transcripts: intron variant (3).
Genome position (GRCh38, 1-based): chr20:58,854,572, one base replaced. GRCh37 (hg19), VCF-style position (the base before the change): chr20:57,429,627.
Other names: c.*42+13686delinsATGCCCCAGCCGATCCCGACTCCGGGGCGGCCCCTGA (NM_016592.5); c.43+13686delinsATGCCCCAGCCGATCCCGACTCCGGGGCGGCCCCTGA (NM_001410912.1); c.-39+12697delinsATGCCCCAGCCGATCCCGACTCCGGGGCGGCCCCTGA (NM_001309861.2); c.1120delinsATGCCCCAGCCGATCCCGACTCCGGGGCGGCCCCTGA, p.Pro374delinsMetProGlnProIleProThrProGlyArgProLeuThr (NM_001077490.3, NM_001309883.1); c.1307delinsATGCCCCAGCCGATCCCGACTCCGGGGCGGCCCCTGA, p.Ala436delinsAspAlaProAlaAspProAspSerGlyAlaAlaProAsp (NM_001410913.1).
Identifiers: ClinVar variation 4990279 (VCV004990279.1).